The following is an entry in ClinVar:

ClinVar aggregate classification (germline): Likely pathogenic. Review status: criteria provided, single submitter (1 of 4 stars). 2 submissions from 2 submitters: Likely pathogenic (1). 1 of the submissions does not count toward it. Last evaluated 2024-11-27.

Conditions:
Nemaline myopathy 2 (NEM2). Also called: Nemaline myopathy 2, autosomal recessive. Identifiers: MedGen C1850569, MONDO:0009725, OMIM 256030.

Submissions (2):

Natera, Inc.
Classification: Likely pathogenic for Nemaline myopathy type 2. Last evaluated: 2024-11-27. Review status: criteria provided, single submitter. Criteria: Natera Variant Classification Schema (03/2026). Collection method: clinical testing. Allele origin: germline.
Comment: The c.9459G>A variant in NEB is a nonsense variant predicted to introduce a stop codon at amino acid 3153. This variant is expected to result in nonsense mediated decay, truncation, or a dysfunctional protein product. This variant is rare in the general population with a frequency below the threshold expected for the associated phenotype(s). Given the available evidence, this variant is classified as Likely Pathogenic.

Counsyl
Classification: Likely pathogenic for Nemaline myopathy 2. Last evaluated: 2017-05-24. Review status: no assertion criteria provided. Collection method: clinical testing. Allele origin: unknown. Not counted in ClinVar's aggregate classification.

NM_001164508.2(NEB):c.9459G>A (p.Trp3153Ter)

Gene: NEB (nebulin; minus strand). Cytogenetic location: 2q23.3.
Variant type: single nucleotide variant.
Coding change: c.9459G>A on transcript NM_001164508.2 (MANE Select); coding-DNA position 9459, G replaced by A.
Protein change: p.Trp3153Ter; replaces tryptophan 3153 with a stop codon.
Molecular consequence: nonsense. On other transcripts: intron variant (1).
Genome position (GRCh38, 1-based): chr2:151,631,302, C>T on the plus strand (G>A on the coding strand, the complement: NEB is on the minus strand). VCF-style: chr2-151631302-C-T. GRCh37 (hg19) VCF-style: chr2-152487816-C-T.
Other names: c.9459G>A, p.Trp3153Ter (NM_001164507.2, NM_001271208.2); c.8854-124G>A (NM_004543.5); short protein forms W3153*.
Identifiers: ClinVar variation 552176 (VCV000552176.3), dbSNP rs1553939648, ClinGen allele CA348801247.